The following is an entry in ClinVar:

NC_000006.11:g.(64776385_64791748)_(64791896_64940484)del

Gene: EYS (EGF-like photoreceptor maintenance factor; minus strand). Cytogenetic location: 6q12.
Variant type: Deletion.
Identifiers: ClinVar variation 1677042 (VCV001677042.1).

ClinVar aggregate classification (germline): Pathogenic (1 of 4 stars; one submission).

Conditions:
Retinitis pigmentosa (RP). Identifiers: Orphanet 791, MedGen C0035334, MeSH D012174, MONDO:0019200, OMIM 268000. Inheritance: Autosomal dominant, autosomal recessive and X linked inheritance.

Submission:

Women's Health and Genetics/Laboratory Corporation of America, LabCorp
Classification: Pathogenic for Retinitis pigmentosa. Last evaluated: 2022-03-08. Review status: criteria provided, single submitter. Criteria: LabCorp Variant Classification Summary - May 2015. Collection method: clinical testing. Allele origin: germline.
Comment: Variant summary: The variant identified by MLPA or other technology involves the deletion of exon 32 in the EYS gene. A presumed nomenclature of c.(6424+1_6425-1)_(6571+1_6572-1)del has been designated for the purposes of this classification. Although exact breakpoints of this deletion are not known, it is expected to result in a large in-frame deletion change in the EYS gene, a known mechanism of disease. The variant was absent in 21694 control chromosomes (gnomAD, Structural Variants dataset). Deletion of exon 32 has been reported in the literature in multiple individuals affected with Retinitis Pigmentosa (e.g. Hosono_2012, Haer-Wigman_2017, Ellingford_2018, Zampaglione_2020). These data indicate that the variant is very likely to be associated with disease. A ClinVar submitter (evaluation after 2014) cites the variant as pathogenic. Based on the evidence outlined above, the variant was classified as pathogenic.

Literature cited by the submitters: PubMed 28224992; PubMed 32037395; PubMed 29074561; PubMed 22363543.